The following is an entry in ClinVar:

NM_005732.4(RAD50):c.1652A>C (p.Gln551Pro)

Gene: RAD50 (RAD50 double strand break repair protein; plus strand). Cytogenetic location: 5q31.1.
Variant type: single nucleotide variant.
Coding change: c.1652A>C on transcript NM_005732.4 (MANE Select); coding-DNA position 1652, A replaced by C.
Protein change: p.Gln551Pro; replaces glutamine 551 with proline.
Molecular consequence: missense variant.
Genome position (GRCh38, 1-based): chr5:132,591,893, A>C. VCF-style: chr5-132591893-A-C. GRCh37 (hg19) VCF-style: chr5-131927585-A-C.
Other names: short protein forms Q551P.
Identifiers: ClinVar variation 3224944 (VCV003224944.1), dbSNP rs1554098469, ClinGen allele CA360946333.

ClinVar aggregate classification (germline): Uncertain significance (1 of 4 stars; one submission).

Conditions:
Hereditary cancer-predisposing syndrome. Also called: Neoplastic Syndromes, Hereditary; Tumor predisposition; Hereditary neoplastic syndrome; Hereditary Cancer Syndrome. Identifiers: Orphanet 140162, MedGen C0027672, MeSH D009386, MONDO:0015356.

gnomAD v4.1: 1 of 1,606,532 alleles (0.000062%); highest among the groups gnomAD compares: Non-Finnish European, 0.000085%; no homozygotes.

Submission:

Ambry Genetics
Classification: Uncertain significance for Hereditary cancer-predisposing syndrome. Last evaluated: 2023-09-27. Review status: criteria provided, single submitter. Criteria: Ambry Variant Classification Scheme 2023. Collection method: clinical testing. Allele origin: germline.
Comment: The p.Q551P variant (also known as c.1652A>C), located in coding exon 11 of the RAD50 gene, results from an A to C substitution at nucleotide position 1652. The glutamine at codon 551 is replaced by proline, an amino acid with similar properties. This amino acid position is conserved. In addition, this alteration is predicted to be tolerated by in silico analysis. Since supporting evidence is limited at this time, the clinical significance of this alteration remains unclear.